The following is an entry in ClinVar:

ClinVar aggregate classification (germline): Uncertain significance (1 of 4 stars; one submission).

Submission:

GeneDx
Classification: Uncertain significance. Last evaluated: 2024-05-13. Review status: criteria provided, single submitter. Criteria: GeneDx Variant Classification Process June 2021. Collection method: clinical testing. Allele origin: germline. Affected: yes.
Comment: Not observed at significant frequency in large population cohorts (gnomAD); In silico analysis supports that this missense variant has a deleterious effect on protein structure/function; Has not been previously published as pathogenic or benign to our knowledge

NM_015627.3(LDLRAP1):c.438C>G (p.Phe146Leu)

Gene: LDLRAP1 (low density lipoprotein receptor adaptor protein 1; plus strand). Cytogenetic location: 1p36.11.
Variant type: single nucleotide variant.
Coding change: c.438C>G on transcript NM_015627.3 (MANE Select); coding-DNA position 438, C replaced by G.
Protein change: p.Phe146Leu; replaces phenylalanine 146 with leucine.
Molecular consequence: missense variant.
Genome position (GRCh38, 1-based): chr1:25,557,246, C>G. VCF-style: chr1-25557246-C-G. GRCh37 (hg19) VCF-style: chr1-25883737-C-G.
Other names: short protein forms F146L.
Identifiers: ClinVar variation 3378131 (VCV003378131.1).